The following is an entry in ClinVar:

ClinVar aggregate classification (germline): Uncertain significance (1 of 4 stars; one submission).

Conditions:
Immunodeficiency 35 (IMD35). Also called: HIES WITH ATYPICAL MYCOBACTERIOSIS, AUTOSOMAL RECESSIVE; HYPER-IgE SYNDROME WITH ATYPICAL MYCOBACTERIOSIS, AUTOSOMAL RECESSIVE; TYK2 DEFICIENCY; Susceptibility to infection due to TYK2 deficiency. Identifiers: Orphanet 331226, MedGen C1969086, MONDO:0012682, OMIM 611521.

Allele frequency attached by ClinVar (database versions not stated): gnomAD 0.00001; ExAC 0.00002; TOPMed 0.00002; ESP Exome Variant Server 0.00008.
gnomAD v4.1: 27 of 1,613,894 alleles (0.0017%); highest among the groups gnomAD compares: African/African-American, 0.011%; no homozygotes.

Submission:

Labcorp Genetics (formerly Invitae), Labcorp
Classification: Uncertain significance for Immunodeficiency 35. Last evaluated: 2022-08-16. Review status: criteria provided, single submitter. Criteria: Invitae Variant Classification Sherloc (09022015). Collection method: clinical testing. Allele origin: germline.
Comment: In summary, the available evidence is currently insufficient to determine the role of this variant in disease. Therefore, it has been classified as a Variant of Uncertain Significance. Algorithms developed to predict the effect of missense changes on protein structure and function are either unavailable or do not agree on the potential impact of this missense change (SIFT: "Not Available"; PolyPhen-2: "Possibly Damaging"; Align-GVGD: "Not Available"). ClinVar contains an entry for this variant (Variation ID: 933293). This variant has not been reported in the literature in individuals affected with TYK2-related conditions. This variant is present in population databases (rs151252201, gnomAD 0.008%). This sequence change replaces arginine, which is basic and polar, with cysteine, which is neutral and slightly polar, at codon 607 of the TYK2 protein (p.Arg607Cys).

NM_003331.5(TYK2):c.1819C>T (p.Arg607Cys)

Gene: TYK2 (tyrosine kinase 2; minus strand). Cytogenetic location: 19p13.2.
Variant type: single nucleotide variant.
Coding change: c.1819C>T on transcript NM_003331.5 (MANE Select); coding-DNA position 1819, C replaced by T.
Protein change: p.Arg607Cys; replaces arginine 607 with cysteine.
Molecular consequence: missense variant.
Genome position (GRCh38, 1-based): chr19:10,361,910, G>A on the plus strand (C>T on the coding strand, the complement: TYK2 is on the minus strand). VCF-style: chr19-10361910-G-A. GRCh37 (hg19) VCF-style: chr19-10472586-G-A.
Other names: short protein forms R607C.
Identifiers: ClinVar variation 933293 (VCV000933293.9), dbSNP rs151252201, ClinGen allele CA9193282.